The following is an entry in ClinVar:

ClinVar aggregate classification (germline): Uncertain significance (1 of 4 stars; one submission).

Conditions:
Inborn genetic diseases. Identifiers: MedGen C0950123, MeSH D030342.

gnomAD v4.1: 1 of 1,614,164 alleles (0.000062%); no homozygotes.

Submission:

Ambry Genetics
Classification: Uncertain significance for Inborn genetic diseases. Last evaluated: 2023-09-10. Review status: criteria provided, single submitter. Criteria: Ambry Variant Classification Scheme 2023. Collection method: clinical testing. Allele origin: germline.
Comment: The p.N162D variant (also known as c.484A>G), located in coding exon 5 of the MDH2 gene, results from an A to G substitution at nucleotide position 484. The asparagine at codon 162 is replaced by aspartic acid, an amino acid with highly similar properties. This amino acid position is conserved. In addition, this alteration is predicted to be tolerated by in silico analysis. Since supporting evidence is limited at this time, the clinical significance of this alteration remains unclear.

NM_005918.4(MDH2):c.484A>G (p.Asn162Asp)

Gene: MDH2 (malate dehydrogenase 2; plus strand). Cytogenetic location: 7q11.23.
Variant type: single nucleotide variant.
Coding change: c.484A>G on transcript NM_005918.4 (MANE Select); coding-DNA position 484, A replaced by G.
Protein change: p.Asn162Asp; replaces asparagine 162 with aspartic acid.
Molecular consequence: missense variant. On other transcripts: intron variant (1).
Genome position (GRCh38, 1-based): chr7:76,060,427, A>G. VCF-style: chr7-76060427-A-G. GRCh37 (hg19) VCF-style: chr7-75689745-A-G.
Other names: c.163A>G, p.Asn55Asp (NM_001282404.2); c.429+2349A>G (NM_001282403.2); short protein forms N162D, N55D.
Identifiers: ClinVar variation 2597030 (VCV002597030.2), dbSNP rs2535863857, ClinGen allele CA367764923.
Genomic context (GRCh38, chr7:76,060,427, plus strand): 5'-TCCTAGGTTAATTCCACCATCCCCATCACAGCAGAAGTTTTCAAGAAGCATGGAGTGTAC[A>G]ACCCCAACAAAATCTTCGGCGTGACGACCCTGGACATCGTCAGAGCCAACACCTTTGTTG-3'
Protein context (NP_005909.2, residues 152-172): AEVFKKHGVY[Asn162Asp]PNKIFGVTTL